The following is an entry in ClinVar:

NM_001003699.4(RREB1):c.2359C>A (p.Arg787Ser)

Gene: RREB1 (ras responsive element binding protein 1; plus strand). Cytogenetic location: 6p24.3.
Variant type: single nucleotide variant.
Coding change: c.2359C>A on transcript NM_001003699.4 (MANE Select); coding-DNA position 2359, C replaced by A.
Protein change: p.Arg787Ser; replaces arginine 787 with serine.
Molecular consequence: missense variant.
Genome position (GRCh38, 1-based): chr6:7,230,458, C>A. VCF-style: chr6-7230458-C-A. GRCh37 (hg19) VCF-style: chr6-7230691-C-A.
Other names: c.2359C>A, p.Arg787Ser (NM_001003698.4, NM_001003700.2, NM_001168344.2); short protein forms R787S.
Identifiers: ClinVar variation 4055791 (VCV004055791.1).

ClinVar aggregate classification (germline): Uncertain significance (1 of 4 stars; one submission).

gnomAD v4.1: 2 of 1,593,610 alleles (0.00013%); highest among the groups gnomAD compares: Admixed American, 0.0017%; no homozygotes.

Submission:

GeneDx
Classification: Uncertain significance. Last evaluated: 2022-05-18. Review status: criteria provided, single submitter. Criteria: GeneDx Variant Classification Process June 2021. Collection method: clinical testing. Allele origin: germline. Affected: yes.
Comment: Not observed at significant frequency in large population cohorts (gnomAD); In silico analysis supports that this missense variant has a deleterious effect on protein structure/function; Has not been previously published as pathogenic or benign to our knowledge; Variants in candidate genes are classified as variants of uncertain significance in accordance with ACMG guidelines (Richards et al., 2015)